The following is an entry in ClinVar:

ClinVar aggregate classification (germline): Uncertain significance. Review status: criteria provided, multiple submitters, no conflicts (2 of 4 stars). 2 submissions from 2 submitters: Uncertain significance (2). Last evaluated 2025-08-05.

Conditions:
Early-infantile DEE. Also called: Early infantile epileptic encephalopathy; Ohtahara syndrome; Early infantile epileptic encephalopathy with suppression bursts. Identifiers: Orphanet 1934, MedGen C0393706, MONDO:0800491.

gnomAD v4.1: 1 of 1,577,058 alleles (0.000063%); highest among the groups gnomAD compares: Non-Finnish European, 0.000087%; no homozygotes.

Submissions (2):

GeneDx
Classification: Uncertain significance. Last evaluated: 2025-08-05. Review status: criteria provided, single submitter. Criteria: GeneDx Variant Classification Process June 2021. Collection method: clinical testing. Allele origin: germline. Affected: yes.
Comment: Not observed at significant frequency in large population cohorts (gnomAD); In silico analysis supports that this missense variant has a deleterious effect on protein structure/function; Has not been previously published as pathogenic or benign to our knowledge; This substitution is predicted to be within the transmembrane segment S2 of the first homologous domain

Labcorp Genetics (formerly Invitae), Labcorp
Classification: Uncertain significance for Early-infantile DEE. Last evaluated: 2022-10-17. Review status: criteria provided, single submitter. Criteria: Invitae Variant Classification Sherloc (09022015). Collection method: clinical testing. Allele origin: germline.
Comment: This sequence change replaces asparagine, which is neutral and polar, with lysine, which is basic and polar, at codon 156 of the SCN1A protein (p.Asn156Lys). This variant is not present in population databases (gnomAD no frequency). This variant has not been reported in the literature in individuals affected with SCN1A-related conditions. Advanced modeling of protein sequence and biophysical properties (such as structural, functional, and spatial information, amino acid conservation, physicochemical variation, residue mobility, and thermodynamic stability) has been performed at Invitae for this missense variant, however the output from this modeling did not meet the statistical confidence thresholds required to predict the impact of this variant on SCN1A protein function. In summary, the available evidence is currently insufficient to determine the role of this variant in disease. Therefore, it has been classified as a Variant of Uncertain Significance.

NM_001165963.4(SCN1A):c.468T>A (p.Asn156Lys)

Gene: SCN1A (sodium voltage-gated channel alpha subunit 1; minus strand). Cytogenetic location: 2q24.3.
Variant type: single nucleotide variant.
Coding change: c.468T>A on transcript NM_001165963.4 (MANE Select); coding-DNA position 468, T replaced by A.
Protein change: p.Asn156Lys; replaces asparagine 156 with lysine.
Molecular consequence: missense variant. On other transcripts: 5 prime UTR variant (1), non-coding transcript variant (1).
Genome position (GRCh38, 1-based): chr2:166,056,416, A>T on the plus strand (T>A on the coding strand, the complement: SCN1A is on the minus strand). VCF-style: chr2-166056416-A-T. GRCh37 (hg19) VCF-style: chr2-166912926-A-T.
Other names: c.468T>A (NM_001165963.1); c.468T>A, p.Asn156Lys (NM_001165964.3, NM_001202435.3, NM_001353948.2 and 10 more transcripts); c.-1958T>A (NM_001353961.2); short protein forms N156K.
Identifiers: ClinVar variation 2131201 (VCV002131201.5), dbSNP rs1250844959, ClinGen allele CA349075839.